The following is an entry in ClinVar:

NM_014679.5(CEP57):c.1217G>A (p.Gly406Glu)

Gene: CEP57 (centrosomal protein 57; plus strand). Cytogenetic location: 11q21.
Variant type: single nucleotide variant.
Coding change: c.1217G>A on transcript NM_014679.5 (MANE Select); coding-DNA position 1217, G replaced by A.
Protein change: p.Gly406Glu; replaces glycine 406 with glutamic acid.
Molecular consequence: missense variant.
Genome position (GRCh38, 1-based): chr11:95,829,276, G>A. VCF-style: chr11-95829276-G-A. GRCh37 (hg19) VCF-style: chr11-95562440-G-A.
Other names: c.1190G>A, p.Gly397Glu (NM_001243776.2); c.1139G>A, p.Gly380Glu (NM_001243777.2); c.1136G>A, p.Gly379Glu (NM_001363604.2); short protein forms G397E, G380E, G406E, G379E.
Identifiers: ClinVar variation 3490829 (VCV003490829.1).

ClinVar aggregate classification (germline): Uncertain significance (1 of 4 stars; one submission).

Conditions:
Inborn genetic diseases. Identifiers: MedGen C0950123, MeSH D030342.

Submission:

Ambry Genetics
Classification: Uncertain significance for Inborn genetic diseases. Last evaluated: 2024-11-23. Review status: criteria provided, single submitter. Criteria: Ambry Variant Classification Scheme 2023. Collection method: clinical testing. Allele origin: germline.
Comment: The p.G406E variant (also known as c.1217G>A), located in coding exon 10 of the CEP57 gene, results from a G to A substitution at nucleotide position 1217. The glycine at codon 406 is replaced by glutamic acid, an amino acid with similar properties. This amino acid position is conserved. In addition, this alteration is predicted to be tolerated by in silico analysis. Based on the available evidence, the clinical significance of this variant remains unclear.